The following is an entry in ClinVar:

ClinVar aggregate classification (germline): Pathogenic (1 of 4 stars; one submission).

Conditions:
ALG6-congenital disorder of glycosylation 1C (CDG1C). Also called: CDG Ic; Congenital disorder of glycosylation, type Ic; CARBOHYDRATE-DEFICIENT GLYCOPROTEIN SYNDROME, TYPE I, WITH DEFICIENT GLYCOSYLATION OF DOLICHOL-LINKED OLIGOSACCHARIDE; CARBOHYDRATE-DEFICIENT GLYCOPROTEIN SYNDROME, TYPE V; Congenital disorder of glycosylation type 1C. Identifiers: Orphanet 79320, MedGen C2930997, MONDO:0011291, OMIM 603147.

Allele frequency attached by ClinVar (database versions not stated): gnomAD exomes below 0.00001.

Submission:

Labcorp Genetics (formerly Invitae), Labcorp
Classification: Pathogenic for ALG6-congenital disorder of glycosylation 1C. Last evaluated: 2023-09-21. Review status: criteria provided, single submitter. Criteria: Invitae Variant Classification Sherloc (09022015). Collection method: clinical testing. Allele origin: germline.
Comment: For these reasons, this variant has been classified as Pathogenic. Experimental studies and prediction algorithms are not available or were not evaluated, and the functional significance of this variant is currently unknown. ClinVar contains an entry for this variant (Variation ID: 851522). This premature translational stop signal has been observed in individual(s) with ALG6-congenital disorder of glycosylation (CDG-Ic) (PMID: 23430515, 27287710). In at least one individual the data is consistent with being in trans (on the opposite chromosome) from a pathogenic variant. This variant is not present in population databases (gnomAD no frequency). This sequence change creates a premature translational stop signal (p.Val447Serfs*44) in the ALG6 gene. While this is not anticipated to result in nonsense mediated decay, it is expected to disrupt the last 61 amino acid(s) of the ALG6 protein.

Literature cited by the submitters: PubMed 23430515; PubMed 27287710.

NM_013339.4(ALG6):c.1338dup (p.Val447fs)

Gene: ALG6 (ALG6 alpha-1,3-glucosyltransferase; plus strand). Cytogenetic location: 1p31.3.
Variant type: Duplication.
Coding change: c.1338dup on transcript NM_013339.4 (MANE Select); coding-DNA position 1338, one base duplicated (A; older notation c.1338dupA).
Protein change: p.Val447fs; shifts the reading frame from valine 447.
Molecular consequence: frameshift variant.
Genome position (GRCh38, 1-based): chr1:63,436,834, A duplicated. VCF-style (leftmost placement, unchanged base first): chr1-63436833-C-CA. GRCh37 (hg19) VCF-style: chr1-63902504-C-CA.
Other names: short protein forms V447fs.
Identifiers: ClinVar variation 851522 (VCV000851522.9), dbSNP rs1644681692, ClinGen allele CA916082036.